The following is an entry in ClinVar:

ClinVar aggregate classification (germline): Uncertain significance. Review status: criteria provided, multiple submitters, no conflicts (2 of 4 stars). 2 submissions from 2 submitters: Uncertain significance (2). Last evaluated 2025-05-23.

gnomAD v4.1: 130 of 1,611,574 alleles (0.0081%); highest among the groups gnomAD compares: Non-Finnish European, 0.011%; no homozygotes.

Submissions (2):

Ambry Genetics
Classification: Uncertain significance. Last evaluated: 2025-05-23. Review status: criteria provided, single submitter. Criteria: Ambry Variant Classification Scheme 2023. Collection method: clinical testing. Allele origin: germline.

GeneDx
Classification: Uncertain significance. Last evaluated: 2024-10-16. Review status: criteria provided, single submitter. Criteria: GeneDx Variant Classification Process June 2021. Collection method: clinical testing. Allele origin: germline. Affected: yes.
Comment: In silico analysis supports that this missense variant has a deleterious effect on protein structure/function; Has not been previously published as pathogenic or benign to our knowledge

NM_015721.3(GEMIN4):c.2273G>C (p.Trp758Ser)

Gene: GEMIN4 (gem nuclear organelle associated protein 4; minus strand). Cytogenetic location: 17p13.3.
Variant type: single nucleotide variant.
Coding change: c.2273G>C on transcript NM_015721.3 (MANE Select); coding-DNA position 2273, G replaced by C.
Protein change: p.Trp758Ser; replaces tryptophan 758 with serine.
Molecular consequence: missense variant.
Genome position (GRCh38, 1-based): chr17:745,770, C>G on the plus strand (G>C on the coding strand, the complement: GEMIN4 is on the minus strand). VCF-style: chr17-745770-C-G. GRCh37 (hg19) VCF-style: chr17-649010-C-G.
Other names: short protein forms W758S.
Identifiers: ClinVar variation 3781239 (VCV003781239.2).